The following is an entry in ClinVar:

ClinVar aggregate classification (germline): Uncertain significance (1 of 4 stars; one submission).

Conditions:
Familial cancer of breast. Also called: hereditary breast carcinoma; BREAST CANCER, FAMILIAL; Hereditary breast cancer. Identifiers: Orphanet 227535, MedGen C0346153, MONDO:0016419, OMIM 114480. Disease mechanism: loss of function.

Submission:

Labcorp Genetics (formerly Invitae), Labcorp
Classification: Uncertain significance for Familial cancer of breast. Last evaluated: 2022-10-25. Review status: criteria provided, single submitter. Criteria: Invitae Variant Classification Sherloc (09022015). Collection method: clinical testing. Allele origin: germline.
Comment: This sequence change replaces aspartic acid, which is acidic and polar, with glutamic acid, which is acidic and polar, at codon 674 of the PALB2 protein (p.Asp674Glu). This variant is not present in population databases (gnomAD no frequency). This variant has not been reported in the literature in individuals affected with PALB2-related conditions. Advanced modeling of protein sequence and biophysical properties (such as structural, functional, and spatial information, amino acid conservation, physicochemical variation, residue mobility, and thermodynamic stability) performed at Invitae indicates that this missense variant is not expected to disrupt PALB2 protein function. In summary, the available evidence is currently insufficient to determine the role of this variant in disease. Therefore, it has been classified as a Variant of Uncertain Significance.

NM_024675.4(PALB2):c.2022C>A (p.Asp674Glu)

Gene: PALB2 (partner and localizer of BRCA2; minus strand). Cytogenetic location: 16p12.2.
Variant type: single nucleotide variant.
Coding change: c.2022C>A on transcript NM_024675.4 (MANE Select); coding-DNA position 2022, C replaced by A.
Protein change: p.Asp674Glu; replaces aspartic acid 674 with glutamic acid.
Molecular consequence: missense variant.
Genome position (GRCh38, 1-based): chr16:23,630,132, G>T on the plus strand (C>A on the coding strand, the complement: PALB2 is on the minus strand). VCF-style: chr16-23630132-G-T. GRCh37 (hg19) VCF-style: chr16-23641453-G-T.
Other names: c.1962C>A, p.Asp654Glu (NM_001407296.1); c.2022C>A, p.Asp674Glu (NM_001407297.1, NM_001407298.1, NM_001407299.1 and 3 more transcripts); c.1137C>A, p.Asp379Glu (NM_001407304.1, NM_001407305.1, NM_001407306.1 and 5 more transcripts); c.234C>A, p.Asp78Glu (NM_001407312.1, NM_001407313.1); short protein forms D379E, D654E, D674E, D78E.
Identifiers: ClinVar variation 1722139 (VCV001722139.5), dbSNP rs2142383191, ClinGen allele CA395127013.